The following is an entry in ClinVar:

ClinVar aggregate classification (germline): Uncertain significance. Review status: criteria provided, multiple submitters, no conflicts (2 of 4 stars). 2 submissions from 2 submitters: Uncertain significance (2). Last evaluated 2023-06-25.

Conditions:
Hereditary cancer-predisposing syndrome. Also called: Hereditary Cancer Syndrome; Neoplastic Syndromes, Hereditary; Tumor predisposition; Hereditary neoplastic syndrome. Identifiers: Orphanet 140162, MedGen C0027672, MeSH D009386, MONDO:0015356.
Ataxia-telangiectasia syndrome (AT). Also called: Ataxia telangiectasia (A-T); Ataxia-telangiectasia, complementation group E; LOUIS-BAR SYNDROME; Cerebello-oculocutaneous telangiectasia; Immunodeficiency with ataxia telangiectasia; Ataxia-telangiectasia, complementation group D. Identifiers: Orphanet 100, MedGen C0004135, MONDO:0008840, OMIM 208900.

Submissions (2):

Labcorp Genetics (formerly Invitae), Labcorp
Classification: Uncertain significance for Ataxia-telangiectasia syndrome. Last evaluated: 2023-06-25. Review status: criteria provided, single submitter. Criteria: Invitae Variant Classification Sherloc (09022015). Collection method: clinical testing. Allele origin: germline.
Comment: In summary, the available evidence is currently insufficient to determine the role of this variant in disease. Therefore, it has been classified as a Variant of Uncertain Significance. An algorithm developed to predict the effect of missense changes on protein structure and function (PolyPhen-2) suggests that this variant is likely to be tolerated. ClinVar contains an entry for this variant (Variation ID: 232689). This variant has not been reported in the literature in individuals affected with ATM-related conditions. This variant is not present in population databases (gnomAD no frequency). This sequence change replaces histidine, which is basic and polar, with proline, which is neutral and non-polar, at codon 1027 of the ATM protein (p.His1027Pro).

Ambry Genetics
Classification: Uncertain significance for Hereditary cancer-predisposing syndrome. Last evaluated: 2015-06-22. Review status: criteria provided, single submitter. Criteria: Ambry Variant Classification Scheme 2023. Collection method: clinical testing. Allele origin: germline.
Comment: The p.H1027P variant (also known as c.3080A>C), located in coding exon 20 of the ATM gene, results from an A to C substitution at nucleotide position 3080. The histidine at codon 1027 is replaced by proline, an amino acid with similar properties. This variant was not reported in population based cohorts in the following databases: Database of Single Nucleotide Polymorphisms (dbSNP), NHLBI Exome Sequencing Project (ESP), and 1000 Genomes Project. In the ESP, this variant was not observed in 6497 samples (12994 alleles) with coverage at this position. To date, this alteration has been detected with an allele frequency of approximately 0.002% (greater than 66000 alleles tested) in our clinical cohort. This amino acid position is well conserved in available vertebrate species. In addition, the in silico prediction for this alteration is inconclusive. Since supporting evidence is limited at this time, the clinical significance of this variant remains unclear.

NM_000051.4(ATM):c.3080A>C (p.His1027Pro)

Gene: ATM (ATM serine/threonine kinase; plus strand). Cytogenetic location: 11q22.3.
Variant type: single nucleotide variant.
Coding change: c.3080A>C on transcript NM_000051.4 (MANE Select); coding-DNA position 3080, A replaced by C.
Protein change: p.His1027Pro; replaces histidine 1027 with proline.
Molecular consequence: missense variant.
Genome position (GRCh38, 1-based): chr11:108,272,534, A>C. VCF-style: chr11-108272534-A-C. GRCh37 (hg19) VCF-style: chr11-108143261-A-C.
Other names: c.3080A>C, p.His1027Pro (NM_001351834.2); short protein forms H1027P.
Identifiers: ClinVar variation 232689 (VCV000232689.8), dbSNP rs786204217, ClinGen allele CA10579082.